The following is an entry in ClinVar:

NM_000059.4(BRCA2):c.7857G>A (p.Trp2619Ter)

Gene: BRCA2 (BRCA2 DNA repair associated; plus strand). Cytogenetic location: 13q13.1.
Variant type: single nucleotide variant.
Coding change: c.7857G>A on transcript NM_000059.4 (MANE Select); coding-DNA position 7857, G replaced by A.
Protein change: p.Trp2619Ter; replaces tryptophan 2619 with a stop codon.
Molecular consequence: nonsense.
Genome position (GRCh38, 1-based): chr13:32,362,574, G>A. VCF-style: chr13-32362574-G-A. GRCh37 (hg19) VCF-style: chr13-32936711-G-A.
Other names: 8085G>A; short protein forms W2619*.
Identifiers: ClinVar variation 38122 (VCV000038122.28), dbSNP rs80359011, ClinGen allele CA025311.

ClinVar aggregate classification (germline): Pathogenic. Review status: reviewed by expert panel (3 of 4 stars). 18 submissions from 18 submitters: Pathogenic (1). 17 of the submissions do not count toward it. Last evaluated 2016-09-08.

Conditions:
Hereditary cancer-predisposing syndrome. Also called: Hereditary Cancer Syndrome; Hereditary neoplastic syndrome; Neoplastic Syndromes, Hereditary; Tumor predisposition. Identifiers: Orphanet 140162, MedGen C0027672, MeSH D009386, MONDO:0015356.
Rhabdomyosarcoma. Also called: Rhabdomyosarcoma (disease). Identifiers: Orphanet 780, MedGen C0035412, MeSH D012208, MONDO:0005212, HP:0002859.
Hereditary breast ovarian cancer syndrome. Also called: Hereditary breast and ovarian cancer syndrome (HBOC); Breast and ovarian cancer; BRCA1- and BRCA2-Associated Hereditary Breast and Ovarian Cancer; Hereditary breast and/or ovarian cancer syndrome; Hereditary breast and ovarian cancer syndrome; Hereditary breast and ovarian cancer. Identifiers: Orphanet 145, MedGen C0677776, MeSH D061325, MONDO:0003582. Disease mechanism: loss of function.
Breast-ovarian cancer, familial, susceptibility to, 2 (BROVCA2). Also called: BRCA2 Hereditary Breast and Ovarian Cancer. Identifiers: Orphanet 145, MedGen C2675520, MONDO:0012933, OMIM 612555. Disease mechanism: loss of function.
Familial cancer of breast. Also called: BREAST CANCER, FAMILIAL; Hereditary breast cancer; hereditary breast carcinoma. Identifiers: Orphanet 227535, MedGen C0346153, MONDO:0016419, OMIM 114480. Disease mechanism: loss of function.
Malignant tumor of breast. Also called: Malignant breast neoplasm; Cancer breast. Identifiers: MedGen C0006142, MONDO:0007254. Disease mechanism: loss of function.

Submissions (18):

Evidence-based Network for the Interpretation of Germline Mutant Alleles (ENIGMA)
Classification: Pathogenic for Breast-ovarian cancer, familial, susceptibility to, 2. Last evaluated: 2016-09-08. Review status: reviewed by expert panel. Criteria: ENIGMA BRCA1/2 Classification Criteria (2015). Collection method: curation. Allele origin: germline.
Comment: Variant allele predicted to encode a truncated non-functional protein.

Labcorp Genetics (formerly Invitae), Labcorp
Classification: Pathogenic for Hereditary breast ovarian cancer syndrome. Last evaluated: 2025-07-15. Review status: criteria provided, single submitter. Criteria: Invitae Variant Classification Sherloc (09022015). Collection method: clinical testing. Allele origin: germline. Not counted in ClinVar's aggregate classification.
Comment: This sequence change creates a premature translational stop signal (p.Trp2619*) in the BRCA2 gene. It is expected to result in an absent or disrupted protein product. Loss-of-function variants in BRCA2 are known to be pathogenic (PMID: 20104584). This variant is not present in population databases (gnomAD no frequency). This premature translational stop signal has been observed in individual(s) with a personal or family history of breast and/or ovarian cancer (PMID: 16234499, 26306726). ClinVar contains an entry for this variant (Variation ID: 38122). For these reasons, this variant has been classified as Pathogenic.

Ambry Genetics
Classification: Pathogenic for Hereditary cancer-predisposing syndrome. Last evaluated: 2025-06-24. Review status: criteria provided, single submitter. Criteria: Ambry Variant Classification Scheme 2023. Collection method: clinical testing. Allele origin: germline. Not counted in ClinVar's aggregate classification.
Comment: The p.W2619* pathogenic mutation (also known as c.7857G>A), located in coding exon 16 of the BRCA2 gene, results from a G to A substitution at nucleotide position 7857. This changes the amino acid from a tryptophan to a stop codon within coding exon 16. This mutation has previously been reported in multiple individuals with clinical histories suggestive of hereditary breast and/or ovarian cancer (Nanda R et al. JAMA. 2005 Oct;294:1925-33; Hansen TV et al. Fam. Cancer. 2011 Jun;10:207-12). This variant is considered to be rare based on population cohorts in the Genome Aggregation Database (gnomAD). In addition to the clinical data presented in the literature, this alteration is expected to result in loss of function by premature protein truncation or nonsense-mediated mRNA decay. As such, this alteration is interpreted as a disease-causing mutation.

Center for Genomic Medicine, Rigshospitalet, Copenhagen University Hospital
Classification: Pathogenic. Last evaluated: 2025-03-04. Review status: criteria provided, single submitter. Criteria: ACMG Guidelines, 2015. Collection method: clinical testing. Allele origin: germline. Not counted in ClinVar's aggregate classification.

Quest Diagnostics Nichols Institute San Juan Capistrano
Classification: Pathogenic. Last evaluated: 2024-05-03. Review status: criteria provided, single submitter. Criteria: Quest Diagnostics criteria. Collection method: clinical testing. Allele origin: unknown. Not counted in ClinVar's aggregate classification.
Comment: The BRCA2 c.7857G>A (p.Trp2619*) variant causes the premature termination of BRCA2 protein synthesis. This variant has been reported in the published literature in multiple individuals affected with breast and/or ovarian cancer (PMID: 21318380 (2011), 26306726 (2015), 27062684 (2016), 31446535 (2019), 32438681 (2020), 34072659 (2021), 35205366 (2022), 36292577 (2022)). This variant has not been reported in large, multi-ethnic general populations (Genome Aggregation Database). Based on the available information, this variant is classified as pathogenic.

Color Diagnostics, LLC DBA Color Health
Classification: Pathogenic for Hereditary cancer-predisposing syndrome. Last evaluated: 2023-02-28. Review status: criteria provided, single submitter. Criteria: ACMG Guidelines, 2015. Collection method: clinical testing. Allele origin: germline. Not counted in ClinVar's aggregate classification.
Comment: This variant changes 1 nucleotide in exon 17 of the BRCA2 gene, creating a premature translation stop signal. This variant is expected to result in an absent or non-functional protein product. This variant has been reported in at least five individuals affected with breast and/or ovarian cancer (PMID: 21318380, 26306726, 32438681, 34072659, 35205366) and in a suspected hereditary breast and ovarian cancer family (PMID: 16234499). This variant has not been identified in the general population by the Genome Aggregation Database (gnomAD). Loss of BRCA2 function is a known mechanism of disease. Based on the available evidence, this variant is classified as Pathogenic.

Baylor Genetics
Classification: Pathogenic for Familial cancer of breast. Last evaluated: 2022-03-31. Review status: criteria provided, single submitter. Criteria: ACMG Guidelines, 2015. Collection method: clinical testing. Allele origin: unknown. Not counted in ClinVar's aggregate classification.

Women's Health and Genetics/Laboratory Corporation of America, LabCorp
Classification: Pathogenic for Hereditary breast ovarian cancer syndrome. Last evaluated: 2021-01-30. Review status: criteria provided, single submitter. Criteria: LabCorp Variant Classification Summary - May 2015. Collection method: clinical testing. Allele origin: germline. Not counted in ClinVar's aggregate classification.
Comment: Variant summary: BRCA2 c.7857G>A (p.Trp2619X) results in a premature termination codon, predicted to cause a truncation of the encoded protein or absence of the protein due to nonsense mediated decay, which are commonly known mechanisms for disease. Truncations downstream of this position have been classified as pathogenic by our laboratory. The variant was absent in 251256 control chromosomes. c.7857G>A has been reported in the literature in multiple individuals affected with Hereditary Breast And Ovarian Cancer Syndrome (example, Rebbeck_2018). These data indicate that the variant is very likely to be associated with disease. To our knowledge, no experimental evidence demonstrating an impact on protein function has been reported. Multiple clinical diagnostic laboratories and one expert panel (ENIGMA) have submitted clinical-significance assessments for this variant to ClinVar after 2014 without evidence for independent evaluation. All submitters classified the variant as pathogenic. Based on the evidence outlined above, the variant was classified as pathogenic.

GeneDx
Classification: Pathogenic. Last evaluated: 2020-02-12. Review status: criteria provided, single submitter. Criteria: GeneDx Variant Classification Process June 2021. Collection method: clinical testing. Allele origin: germline. Affected: yes. Not counted in ClinVar's aggregate classification.
Comment: Nonsense variant predicted to result in protein truncation or nonsense mediated decay in a gene for which loss-of-function is a known mechanism of disease; Truncating variants in this gene are considered pathogenic by a well-established clinical consortium and/or database; Not observed in large population cohorts (Lek 2016); Also known as 8085G>A; This variant is associated with the following publications: (PMID: 26681678, 16234499, 26306726, 24670361, 28152038, 27463008, 29446198, 31446535)

Consortium of Investigators of Modifiers of BRCA1/2 (CIMBA), c/o University of Cambridge
Classification: Pathogenic for Breast-ovarian cancer, familial, susceptibility to, 2. Last evaluated: 2015-10-02. Review status: criteria provided, single submitter. Criteria: CIMBA Mutation Classification guidelines May 2016. Collection method: clinical testing. Allele origin: germline. Not counted in ClinVar's aggregate classification.

Genesis Genomics
Classification: Pathogenic for Breast-ovarian cancer, familial, susceptibility to, 2. Review status: criteria provided, single submitter. Criteria: ACMG Guidelines, 2015. Collection method: clinical testing. Allele origin: germline. Affected: yes. Observed: 1 variant allele. Not counted in ClinVar's aggregate classification.

Human Genome Sequencing Center Clinical Lab, Baylor College of Medicine
Classification: Pathogenic for Rhabdomyosarcoma. Last evaluated: 2020-09-01. Review status: no assertion criteria provided. Collection method: provider interpretation. Allele origin: germline. Affected: yes. Not counted in ClinVar's aggregate classification.

BRCAlab, Lund University
Classification: Pathogenic for Breast-ovarian cancer, familial, susceptibility to, 2. Last evaluated: 2020-03-02. Review status: no assertion criteria provided. Collection method: clinical testing. Allele origin: germline. Affected: yes. Not counted in ClinVar's aggregate classification.

Counsyl
Classification: Pathogenic for Breast-ovarian cancer, familial, susceptibility to, 2. Last evaluated: 2017-09-25. Review status: no assertion criteria provided. Collection method: clinical testing. Allele origin: unknown. Not counted in ClinVar's aggregate classification.

Research Molecular Genetics Laboratory, Women's College Hospital, University of Toronto
Classification: Pathogenic for Hereditary breast ovarian cancer syndrome. Last evaluated: 2014-01-31. Review status: no assertion criteria provided. Collection method: research. Allele origin: germline. Affected: yes. Study: The Canadian Open Genetics Repository (COGR). Not counted in ClinVar's aggregate classification.

Sharing Clinical Reports Project (SCRP)
Classification: Pathogenic for Breast-ovarian cancer, familial 2. Last evaluated: 2009-05-15. Review status: no assertion criteria provided. Collection method: clinical testing. Allele origin: germline. Not counted in ClinVar's aggregate classification.

Breast Cancer Information Core (BIC) (BRCA2)
Classification: Pathogenic for Breast-ovarian cancer, familial 2. Last evaluated: 2002-06-20. Review status: no assertion criteria provided. Collection method: clinical testing. Allele origin: germline. Affected: yes. Observed: 1 variant allele. Not counted in ClinVar's aggregate classification.

Department of Pathology and Laboratory Medicine, Sinai Health System
Classification: Pathogenic for Malignant tumor of breast. Review status: no assertion criteria provided. Collection method: clinical testing. Allele origin: unknown. Affected: yes. Study: The Canadian Open Genetics Repository (COGR). Not counted in ClinVar's aggregate classification.
Comment: The p.Trp2619X variant has been reported in the literature in 1/310 proband chromosomes from an individual in a family with hereditary breast and ovariant cancer. However, no control chromosomes were tested to establish its frequency in the general population (Nanda 2005). It was also reported in the BIC (x1) database. The variant leads to a premature stop codon at position 2619 which is predicted to cause premature truncation or absent protein product and loss of function. Loss of function of the BRCA2 gene is an established disease mechanism for hereditary breast and ovariant cancer. In summary, based on the above information, this variant is classified as pathogenic.

Literature cited by the submitters: PubMed 20104584 (cited by Labcorp Genetics (formerly Invitae), Labcorp); PubMed 16234499 (cited by 4 submitters); PubMed 26306726 (cited by 4 submitters); PubMed 21318380 (cited by 4 submitters); PubMed 27062684 (cited by Quest Diagnostics Nichols Institute San Juan Capistrano and Counsyl); PubMed 29446198 (cited by Quest Diagnostics Nichols Institute San Juan Capistrano and Women's Health and Genetics/Laboratory Corporation of America, LabCorp); PubMed 32438681 (cited by Quest Diagnostics Nichols Institute San Juan Capistrano and Color Diagnostics, LLC DBA Color Health); PubMed 34072659 (cited by Quest Diagnostics Nichols Institute San Juan Capistrano and Color Diagnostics, LLC DBA Color Health); PubMed 35205366 (cited by Quest Diagnostics Nichols Institute San Juan Capistrano and Color Diagnostics, LLC DBA Color Health); PubMed 31446535 (cited by Quest Diagnostics Nichols Institute San Juan Capistrano); PubMed 36292577 (cited by Quest Diagnostics Nichols Institute San Juan Capistrano); PubMed 33372952 (cited by Human Genome Sequencing Center Clinical Lab, Baylor College of Medicine).